The following is an entry in ClinVar:

NM_002474.3(MYH11):c.3722G>A (p.Arg1241Gln)

Gene: MYH11 (myosin heavy chain 11; minus strand). Cytogenetic location: 16p13.11.
Variant type: single nucleotide variant.
Coding change: c.3722G>A on transcript NM_002474.3 (MANE Select); coding-DNA position 3722, G replaced by A.
Protein change: p.Arg1241Gln; replaces arginine 1241 with glutamine.
Molecular consequence: missense variant.
Genome position (GRCh38, 1-based): chr16:15,726,984, C>T on the plus strand (G>A on the coding strand, the complement: MYH11 is on the minus strand). VCF-style: chr16-15726984-C-T. GRCh37 (hg19) VCF-style: chr16-15820841-C-T.
Other names: c.3743G>A, p.Arg1248Gln (NM_001040113.2, NM_001040114.2); c.3722G>A, p.Arg1241Gln (NM_022844.3); short protein forms R1241Q, R1248Q.
Identifiers: ClinVar variation 519934 (VCV000519934.21), dbSNP rs749705160, ClinGen allele CA7921905.
Genomic context (GRCh38, chr16:15,726,984, plus strand): 5'-ACCTGCGCCTCCAGCTTCTTCTTCTTATGTTCCACCTCCTGCTTGGCCTGGCCCAGGACC[C>T]GCAGCTCCCCGGCCAGGTCTGCGTTCTCTTTCTCCAGCGTCTGCTTATTCTTGTCTAGGT-3'
Protein context (NP_002465.1, residues 1231-1251): KENADLAGEL[Arg1241Gln]VLGQAKQEVE

ClinVar aggregate classification (germline): Uncertain significance. Review status: criteria provided, multiple submitters, no conflicts (2 of 4 stars). 4 submissions from 4 submitters: Uncertain significance (4). Last evaluated 2025-11-05.

Conditions:
Aortic aneurysm, familial thoracic 4 (AAT4). Also called: AORTIC ANEURYSM/AORTIC DISSECTION AND PATENT DUCTUS ARTERIOSUS. Identifiers: MedGen C1851504, MONDO:0007568, OMIM 132900.
Familial thoracic aortic aneurysm and aortic dissection (TAAD). Also called: Thoracic aortic aneurysms and dissections. Identifiers: Orphanet 91387, MedGen C4707243, MONDO:0019625.

Allele frequency attached by ClinVar (database versions not stated): gnomAD exomes below 0.00001 and 0.00001; ExAC 0.00001; gnomAD 0.00005; TOPMed 0.00006.
gnomAD v4.1: 12 of 1,611,792 alleles (0.00074%); highest among the groups gnomAD compares: African/African-American, 0.011%; no homozygotes.

Submissions (4):

Ambry Genetics
Classification: Uncertain significance for Familial thoracic aortic aneurysm and aortic dissection. Last evaluated: 2025-11-05. Review status: criteria provided, single submitter. Criteria: Ambry Variant Classification Scheme 2023. Collection method: clinical testing. Allele origin: germline.
Comment: The p.R1241Q variant (also known as c.3722G>A), located in coding exon 27 of the MYH11 gene, results from a G to A substitution at nucleotide position 3722. The arginine at codon 1241 is replaced by glutamine, an amino acid with highly similar properties. This amino acid position is well conserved in available vertebrate species. In addition, this alteration is predicted to be tolerated by in silico analysis. Based on the available evidence, the clinical significance of this variant remains unclear.

Labcorp Genetics (formerly Invitae), Labcorp
Classification: Uncertain significance for Aortic aneurysm, familial thoracic 4. Last evaluated: 2025-10-22. Review status: criteria provided, single submitter. Criteria: Invitae Variant Classification Sherloc (09022015). Collection method: clinical testing. Allele origin: germline.
Comment: This sequence change replaces arginine, which is basic and polar, with glutamine, which is neutral and polar, at codon 1248 of the MYH11 protein (p.Arg1248Gln). This variant is present in population databases (rs749705160, gnomAD 0.01%). This variant has not been reported in the literature in individuals affected with MYH11-related conditions. ClinVar contains an entry for this variant (Variation ID: 519934). Invitae Evidence Modeling of protein sequence and biophysical properties (such as structural, functional, and spatial information, amino acid conservation, physicochemical variation, residue mobility, and thermodynamic stability) indicates that this missense variant is not expected to disrupt MYH11 protein function with a negative predictive value of 95%. In summary, the available evidence is currently insufficient to determine the role of this variant in disease. Therefore, it has been classified as a Variant of Uncertain Significance.

All of Us Research Program, National Institutes of Health
Classification: Uncertain significance for Familial thoracic aortic aneurysm and aortic dissection. Last evaluated: 2024-09-17. Review status: criteria provided, single submitter. Criteria: ACMG Guidelines, 2015. Collection method: clinical testing. Allele origin: germline. Inheritance: Autosomal dominant inheritance. Observed: 3 variant alleles, 3 heterozygotes.
Comment: Variant of Uncertain Significance due to insufficient evidence: This missense variant replaces arginine with glutamine at codon 1248 of the MYH11 protein. Computational prediction tools and conservation analyses are inconclusive regarding the impact of this variant on the protein function. Computational splicing tools suggest that this variant may not impact RNA splicing. To our knowledge, functional assays have not been performed for this variant nor has this variant been reported in individuals affected with cardiovascular disorders in the literature. This variant has been identified in 2/251192 chromosomes in the general population by the Genome Aggregation Database (gnomAD). Available evidence is insufficient to determine the role of this variant in disease conclusively.

This study involves interpretation of variants in research participants for the purpose of population health screening. Participant phenotype was not available at the time of variant classification. Additional details can be found in publication PMID: 35346344, PMCID: PMC8962531

Color Diagnostics, LLC DBA Color Health
Classification: Uncertain significance for Familial thoracic aortic aneurysm and aortic dissection. Last evaluated: 2024-03-06. Review status: criteria provided, single submitter. Criteria: ACMG Guidelines, 2015. Collection method: clinical testing. Allele origin: germline.
Comment: This missense variant replaces arginine with glutamine at codon 1248 of the MYH11 protein. Computational prediction suggests that this variant may not impact protein structure and function (internally defined REVEL score threshold <= 0.5, PMID: 27666373). To our knowledge, functional studies have not been reported for this variant. This variant has not been reported in individuals affected with MYH11-related disorders in the literature. This variant has been identified in 2/251192 chromosomes in the general population by the Genome Aggregation Database (gnomAD). The available evidence is insufficient to determine the role of this variant in disease conclusively. Therefore, this variant is classified as a Variant of Uncertain Significance.